The following is an entry in ClinVar:

NM_000465.4(BARD1):c.709C>T (p.Gln237Ter)

Gene: BARD1 (BRCA1 associated RING domain 1; minus strand). Cytogenetic location: 2q35.
Variant type: single nucleotide variant.
Coding change: c.709C>T on transcript NM_000465.4 (MANE Select); coding-DNA position 709, C replaced by T.
Protein change: p.Gln237Ter; replaces glutamine 237 with a stop codon.
Molecular consequence: nonsense. On other transcripts: non-coding transcript variant (2), intron variant (3).
Genome position (GRCh38, 1-based): chr2:214,781,165, G>A on the plus strand (C>T on the coding strand, the complement: BARD1 is on the minus strand). VCF-style: chr2-214781165-G-A. GRCh37 (hg19) VCF-style: chr2-215645889-G-A.
Other names: c.652C>T, p.Gln218Ter (NM_001282543.2); c.158+28247C>T (NM_001282548.2); c.215+15896C>T (NM_001282545.2); c.364+11132C>T (NM_001282549.2); short protein forms Q237*, Q218*.
Identifiers: ClinVar variation 230107 (VCV000230107.8), dbSNP rs587780035, ClinGen allele CA10577838.

ClinVar aggregate classification (germline): Pathogenic. Review status: criteria provided, multiple submitters, no conflicts (2 of 4 stars). 3 submissions from 3 submitters: Pathogenic (3). Last evaluated 2023-05-19.

Conditions:
Hereditary cancer-predisposing syndrome. Also called: Hereditary neoplastic syndrome; Hereditary Cancer Syndrome; Neoplastic Syndromes, Hereditary; Tumor predisposition. Identifiers: Orphanet 140162, MedGen C0027672, MeSH D009386, MONDO:0015356.
Familial cancer of breast. Also called: Hereditary breast cancer; BREAST CANCER, FAMILIAL; hereditary breast carcinoma. Identifiers: Orphanet 227535, MedGen C0346153, MONDO:0016419, OMIM 114480. Disease mechanism: loss of function.

Submissions (3):

Myriad Genetics, Inc.
Classification: Pathogenic for Familial cancer of breast. Last evaluated: 2023-05-19. Review status: criteria provided, single submitter. Criteria: Myriad Autosomal Dominant, Autosomal Recessive and X-Linked Classification Criteria (2023). Collection method: clinical testing. Allele origin: unknown.
Comment: This variant is considered pathogenic. This variant creates a termination codon and is predicted to result in premature protein truncation.

Ambry Genetics
Classification: Pathogenic for Hereditary cancer-predisposing syndrome. Last evaluated: 2020-06-22. Review status: criteria provided, single submitter. Criteria: Ambry Variant Classification Scheme 2023. Collection method: clinical testing. Allele origin: germline.
Comment: The p.Q237* pathogenic mutation (also known as c.709C>T), located in coding exon 4 of the BARD1 gene, results from a C to T substitution at nucleotide position 709. This changes the amino acid from a glutamine to a stop codon within coding exon 4. This alteration is expected to result in loss of function by premature protein truncation or nonsense-mediated mRNA decay. As such, this alteration is interpreted as a disease-causing mutation.

GeneDx
Classification: Pathogenic. Last evaluated: 2016-07-11. Review status: criteria provided, single submitter. Criteria: GeneDx Variant Classification (06012015). Collection method: clinical testing. Allele origin: germline. Affected: yes.
Comment: This pathogenic variant is denoted BARD1 c.709C>T at the cDNA level and p.Gln237Ter (Q237X) at the protein level. The substitution creates a nonsense variant, which changes a Glutamine to a premature stop codon (CAA>TAA), and is predicted to cause loss of normal protein function through either protein truncation or nonsense-mediated mRNA decay. Although this variant has not, to our knowledge, been reported in the literature, it is considered pathogenic.